The following is an entry in ClinVar:

ClinVar aggregate classification (germline): Uncertain significance (1 of 4 stars; one submission).

Conditions:
Charcot-Marie-Tooth disease type 2. Also called: Charcot-Marie-Tooth type 2. Identifiers: Orphanet 64746, MedGen C0270914, MONDO:0018993.

Allele frequency attached by ClinVar (database versions not stated): gnomAD exomes below 0.00001.
gnomAD v4.1: 4 of 1,614,006 alleles (0.00025%); highest among the groups gnomAD compares: Admixed American, 0.0017%; no homozygotes.

Submission:

Labcorp Genetics (formerly Invitae), Labcorp
Classification: Uncertain significance for Charcot-Marie-Tooth disease type 2. Last evaluated: 2023-08-28. Review status: criteria provided, single submitter. Criteria: Invitae Variant Classification Sherloc (09022015). Collection method: clinical testing. Allele origin: germline.
Comment: This sequence change replaces arginine, which is basic and polar, with cysteine, which is neutral and slightly polar, at codon 428 of the GARS protein (p.Arg428Cys). This variant is present in population databases (no rsID available, gnomAD 0.003%). This missense change has been observed in individual(s) with clinical features of GARS-related conditions (Invitae). ClinVar contains an entry for this variant (Variation ID: 476749). Advanced modeling of protein sequence and biophysical properties (such as structural, functional, and spatial information, amino acid conservation, physicochemical variation, residue mobility, and thermodynamic stability) has been performed at Invitae for this missense variant, however the output from this modeling did not meet the statistical confidence thresholds required to predict the impact of this variant on GARS protein function. In summary, the available evidence is currently insufficient to determine the role of this variant in disease. Therefore, it has been classified as a Variant of Uncertain Significance.

NM_002047.4(GARS1):c.1282C>T (p.Arg428Cys)

Gene: GARS1 (glycyl-tRNA synthetase 1; plus strand). Cytogenetic location: 7p14.3.
Variant type: single nucleotide variant.
Coding change: c.1282C>T on transcript NM_002047.4 (MANE Select); coding-DNA position 1282, C replaced by T.
Protein change: p.Arg428Cys; replaces arginine 428 with cysteine.
Molecular consequence: missense variant.
Genome position (GRCh38, 1-based): chr7:30,617,201, C>T. VCF-style: chr7-30617201-C-T. GRCh37 (hg19) VCF-style: chr7-30656817-C-T.
Other names: c.1120C>T, p.Arg374Cys (NM_001316772.1); c.1282C>T (LRG_243t1); short protein forms R428C, R374C.
Identifiers: ClinVar variation 476749 (VCV000476749.8), dbSNP rs951085877, ClinGen allele CA367127168.